The following is an entry in ClinVar:

ClinVar aggregate classification (germline): Likely benign (1 of 4 stars; one submission).

Allele frequency attached by ClinVar (database versions not stated): gnomAD exomes 0.00001.
gnomAD v4.1: 12 of 1,613,900 alleles (0.00074%); highest among the groups gnomAD compares: African/African-American, 0.0053%; no homozygotes.

Submission:

CeGaT Center for Human Genetics Tuebingen
Classification: Likely benign. Last evaluated: 2022-05-01. Review status: criteria provided, single submitter. Criteria: CeGaT Center For Human Genetics Tuebingen Variant Classification Criteria Version 2. Collection method: clinical testing. Allele origin: germline. Affected: yes. Observed: 1 variant allele.
Comment: HERC1: PM2:Supporting, BP4, BP7

NM_003922.4(HERC1):c.825G>A (p.Ser275=)

Gene: HERC1 (HECT and RLD domain containing E3 ubiquitin protein ligase family member 1; minus strand). Cytogenetic location: 15q22.31.
Variant type: single nucleotide variant.
Coding change: c.825G>A on transcript NM_003922.4 (MANE Select); coding-DNA position 825, G replaced by A.
Protein change: p.Ser275=; no amino-acid change (serine 275 retained).
Molecular consequence: synonymous variant.
Genome position (GRCh38, 1-based): chr15:63,774,799, C>T on the plus strand (G>A on the coding strand, the complement: HERC1 is on the minus strand). VCF-style: chr15-63774799-C-T. GRCh37 (hg19) VCF-style: chr15-64066998-C-T.
Identifiers: ClinVar variation 1694757 (VCV001694757.31), dbSNP rs2076071176, ClinGen allele CA490893535.